The following is an entry in ClinVar:

NM_005732.4(RAD50):c.862G>A (p.Glu288Lys)

Gene: RAD50 (RAD50 double strand break repair protein; plus strand). Cytogenetic location: 5q31.1.
Variant type: single nucleotide variant.
Coding change: c.862G>A on transcript NM_005732.4 (MANE Select); coding-DNA position 862, G replaced by A.
Protein change: p.Glu288Lys; replaces glutamic acid 288 with lysine.
Molecular consequence: missense variant.
Genome position (GRCh38, 1-based): chr5:132,587,667, G>A. VCF-style: chr5-132587667-G-A. GRCh37 (hg19) VCF-style: chr5-131923359-G-A.
Other names: short protein forms E288K.
Identifiers: ClinVar variation 3640364 (VCV003640364.2).

ClinVar aggregate classification (germline): Uncertain significance (1 of 4 stars; one submission).

Conditions:
Hereditary cancer-predisposing syndrome. Also called: Hereditary neoplastic syndrome; Tumor predisposition; Hereditary Cancer Syndrome; Neoplastic Syndromes, Hereditary. Identifiers: Orphanet 140162, MedGen C0027672, MeSH D009386, MONDO:0015356.

Submission:

Labcorp Genetics (formerly Invitae), Labcorp
Classification: Uncertain significance for Hereditary cancer-predisposing syndrome. Last evaluated: 2024-02-12. Review status: criteria provided, single submitter. Criteria: Invitae Variant Classification Sherloc (09022015). Collection method: clinical testing. Allele origin: germline.
Comment: This sequence change replaces glutamic acid, which is acidic and polar, with lysine, which is basic and polar, at codon 288 of the RAD50 protein (p.Glu288Lys). This variant is not present in population databases (gnomAD no frequency). This variant has not been reported in the literature in individuals affected with RAD50-related conditions. Advanced modeling of protein sequence and biophysical properties (such as structural, functional, and spatial information, amino acid conservation, physicochemical variation, residue mobility, and thermodynamic stability) has been performed at Invitae for this missense variant, however the output from this modeling did not meet the statistical confidence thresholds required to predict the impact of this variant on RAD50 protein function. In summary, the available evidence is currently insufficient to determine the role of this variant in disease. Therefore, it has been classified as a Variant of Uncertain Significance.